The following is an entry in ClinVar:

NM_001127222.2(CACNA1A):c.1782-15G>A

Gene: CACNA1A (calcium voltage-gated channel subunit alpha1 A; minus strand). Cytogenetic location: 19p13.13.
Variant type: single nucleotide variant.
Coding change: c.1782-15G>A on transcript NM_001127222.2 (MANE Select); 15 bases into the intron before coding-DNA position 1782, G replaced by A.
Molecular consequence: intron variant.
Genome position (GRCh38, 1-based): chr19:13,308,266, C>T on the plus strand (G>A on the coding strand, the complement: CACNA1A is on the minus strand). VCF-style: chr19-13308266-C-T. GRCh37 (hg19) VCF-style: chr19-13419080-C-T.
Other names: c.1785-15G>A (NM_001127221.2, NM_001174080.2, NM_000068.4 and 1 more transcripts).
Identifiers: ClinVar variation 4784511 (VCV004784511.1).
Genomic context (GRCh38, chr19:13,308,266, plus strand): 5'-GGAGTTGAGGAGAGAGACGACCAGGTTTCTGAGAGATGCCCAGTACCTGCCGACAGAGGC[C>T]AGGCGAGGACTCAGGCCAGGCGGGGGAGGCAGGGCCCCGGAGTCAGCCCTCGAAACACGA-3'

ClinVar aggregate classification (germline): Uncertain significance (1 of 4 stars; one submission).

Conditions:
Episodic ataxia type 2 (EA2). Also called: ACETAZOLAMIDE-RESPONSIVE HEREDITARY PAROXYSMAL CEREBELLAR ATAXIA; ATAXIA, EPISODIC, WITH NYSTAGMUS; ATAXIA, FAMILIAL PAROXYSMAL; CEREBELLAR ATAXIA, PAROXYSMAL, ACETAZOLAMIDE-RESPONSIVE; CEREBELLOPATHY, HEREDITARY PAROXYSMAL; EPISODIC ATAXIA, NYSTAGMUS-ASSOCIATED. Identifiers: Orphanet 97, MedGen C1720416, MONDO:0007163, OMIM 108500.
Developmental and epileptic encephalopathy, 42 (DEE42A). Also called: Epileptic encephalopathy, early infantile, 42; DEVELOPMENTAL AND EPILEPTIC ENCEPHALOPATHY 42A; EPILEPTIC ENCEPHALOPATHY, EARLY INFANTILE, 42A. Identifiers: MedGen C4310716, MONDO:0014917, OMIM 617106.

Submission:

Labcorp Genetics (formerly Invitae), Labcorp
Classification: Uncertain significance for Developmental and epileptic encephalopathy, 42; Episodic ataxia type 2. Last evaluated: 2025-03-23. Review status: criteria provided, single submitter. Criteria: Invitae Variant Classification Sherloc (09022015). Collection method: clinical testing. Allele origin: germline.
Comment: This sequence change falls in intron 13 of the CACNA1A gene. It does not directly change the encoded amino acid sequence of the CACNA1A protein. This variant is not present in population databases (gnomAD no frequency). This variant has not been reported in the literature in individuals affected with CACNA1A-related conditions. Algorithms developed to predict the effect of sequence changes on RNA splicing suggest that this variant may disrupt the consensus splice site. In summary, the available evidence is currently insufficient to determine the role of this variant in disease. Therefore, it has been classified as a Variant of Uncertain Significance.